The following is an entry in ClinVar:

NM_001160372.4(TRAPPC9):c.2431+6C>T

Gene: TRAPPC9 (trafficking protein particle complex subunit 9; minus strand). Cytogenetic location: 8q24.3.
Variant type: single nucleotide variant.
Coding change: c.2431+6C>T on transcript NM_001160372.4 (MANE Select); 6 bases into the intron after coding-DNA position 2431, C replaced by T.
Molecular consequence: intron variant.
Genome position (GRCh38, 1-based): chr8:140,252,771, G>A on the plus strand (C>T on the coding strand, the complement: TRAPPC9 is on the minus strand). VCF-style: chr8-140252771-G-A. GRCh37 (hg19) VCF-style: chr8-141262870-G-A.
Other names: c.2431+6C>T (NM_031466.8, NM_001374683.1); c.2404+6C>T (NM_001321646.2); c.2287+6C>T (NM_001374684.1); c.2452+6C>T (NM_001374682.1).
Identifiers: ClinVar variation 1923987 (VCV001923987.2), dbSNP rs368418041, ClinGen allele CA4893106.
Genomic context (GRCh38, chr8:140,252,771, plus strand): 5'-GGGATGGGGGTTGCTACACAGTATCTAGGACCCTGACGTGCTAATTAAAATTAGGAAAGC[G>A]CTTACCATCACTGAGATCCTGCAGGAGATTCTCCTGGCAGGAGAAATCCAGCTTCACTTT-3'

ClinVar aggregate classification (germline): Uncertain significance (1 of 4 stars; one submission).

Allele frequency attached by ClinVar (database versions not stated): gnomAD 0.00005; ExAC 0.00006; ESP Exome Variant Server 0.00015.
gnomAD v4.1: 17 of 1,613,408 alleles (0.0011%); highest among the groups gnomAD compares: African/African-American, 0.0067%; no homozygotes.

Submission:

Labcorp Genetics (formerly Invitae), Labcorp
Classification: Uncertain significance. Last evaluated: 2022-08-21. Review status: criteria provided, single submitter. Criteria: Invitae Variant Classification Sherloc (09022015). Collection method: clinical testing. Allele origin: germline.
Comment: This sequence change falls in intron 16 of the TRAPPC9 gene. It does not directly change the encoded amino acid sequence of the TRAPPC9 protein. It affects a nucleotide within the consensus splice site. This variant is present in population databases (rs368418041, gnomAD 0.01%). This variant has not been reported in the literature in individuals affected with TRAPPC9-related conditions. Variants that disrupt the consensus splice site are a relatively common cause of aberrant splicing (PMID: 17576681, 9536098). Algorithms developed to predict the effect of sequence changes on RNA splicing suggest that this variant is not likely to affect RNA splicing. In summary, the available evidence is currently insufficient to determine the role of this variant in disease. Therefore, it has been classified as a Variant of Uncertain Significance.

Literature cited by the submitters: PubMed 17576681; PubMed 9536098.